The following is an entry in ClinVar:

ClinVar aggregate classification (germline): Uncertain significance (1 of 4 stars; one submission).

Conditions:
Focal segmental glomerulosclerosis 1 (FSGS1). Identifiers: Orphanet 656, MedGen C4551527, MONDO:0011303, OMIM 603278.

gnomAD v4.1: 7 of 1,614,072 alleles (0.00043%); highest among the groups gnomAD compares: Non-Finnish European, 0.00059%; no homozygotes.

Submission:

MVZ Medizinische Genetik Mainz
Classification: Uncertain significance for Focal segmental glomerulosclerosis 1. Last evaluated: 2026-03-11. Review status: criteria provided, single submitter. Criteria: UK Practice Guidelines For Variant Classification V4 01 2020. Collection method: clinical testing. Allele origin: germline. Inheritance: Autosomal dominant inheritance. Affected: yes. Observed: 1 variant allele.
Comment: ACMG Criteria: PM2_SUP,PP3

NM_004924.6(ACTN4):c.2312G>A (p.Arg771Gln)

Gene: ACTN4 (actinin alpha 4; plus strand). Cytogenetic location: 19q13.2.
Variant type: single nucleotide variant.
Coding change: c.2312G>A on transcript NM_004924.6 (MANE Select); coding-DNA position 2312, G replaced by A.
Protein change: p.Arg771Gln; replaces arginine 771 with glutamine.
Molecular consequence: missense variant.
Genome position (GRCh38, 1-based): chr19:38,727,078, G>A. VCF-style: chr19-38727078-G-A. GRCh37 (hg19) VCF-style: chr19-39217718-G-A.
Other names: c.2312G>A, p.Arg771Gln (NM_001322033.2, NM_001411143.1, NM_001440296.1 and 2 more transcripts); c.2060G>A, p.Arg687Gln (NM_001440299.1); short protein forms R687Q, R771Q.
Identifiers: ClinVar variation 4818878 (VCV004818878.1).